The following is an entry in ClinVar:

ClinVar aggregate classification (germline): Uncertain significance (1 of 4 stars; one submission).

Conditions:
Fanconi anemia complementation group J. Also called: BRIP1-Related Fanconi Anemia. Identifiers: Orphanet 84, MedGen C1836860, MONDO:0012187, OMIM 609054.
Familial cancer of breast. Also called: Hereditary breast cancer; hereditary breast carcinoma; BREAST CANCER, FAMILIAL. Identifiers: Orphanet 227535, MedGen C0346153, MONDO:0016419, OMIM 114480. Disease mechanism: loss of function.

Submission:

Labcorp Genetics (formerly Invitae), Labcorp
Classification: Uncertain significance for Familial cancer of breast; Fanconi anemia complementation group J. Last evaluated: 2025-08-04. Review status: criteria provided, single submitter. Criteria: Invitae Variant Classification Sherloc (09022015). Collection method: clinical testing. Allele origin: germline.
Comment: This sequence change replaces aspartic acid, which is acidic and polar, with tyrosine, which is neutral and polar, at codon 236 of the BRIP1 protein (p.Asp236Tyr). This variant is not present in population databases (gnomAD no frequency). This variant has not been reported in the literature in individuals affected with BRIP1-related conditions. Invitae Evidence Modeling of protein sequence and biophysical properties (such as structural, functional, and spatial information, amino acid conservation, physicochemical variation, residue mobility, and thermodynamic stability) indicates that this missense variant is not expected to disrupt BRIP1 protein function with a negative predictive value of 95%. In summary, the available evidence is currently insufficient to determine the role of this variant in disease. Therefore, it has been classified as a Variant of Uncertain Significance.

NM_032043.3(BRIP1):c.706G>T (p.Asp236Tyr)

Gene: BRIP1 (BRCA1 interacting DNA helicase 1; minus strand). Cytogenetic location: 17q23.2.
Variant type: single nucleotide variant.
Coding change: c.706G>T on transcript NM_032043.3 (MANE Select); coding-DNA position 706, G replaced by T.
Protein change: p.Asp236Tyr; replaces aspartic acid 236 with tyrosine.
Molecular consequence: missense variant.
Genome position (GRCh38, 1-based): chr17:61,808,679, C>A on the plus strand (G>T on the coding strand, the complement: BRIP1 is on the minus strand). VCF-style: chr17-61808679-C-A. GRCh37 (hg19) VCF-style: chr17-59886040-C-A.
Other names: short protein forms D236Y.
Identifiers: ClinVar variation 4783548 (VCV004783548.1).